The following is an entry in ClinVar:

NM_000532.5(PCCB):c.1304A>G (p.Tyr435Cys)

Gene: PCCB (propionyl-CoA carboxylase subunit beta; plus strand). Cytogenetic location: 3q22.3.
Variant type: single nucleotide variant.
Coding change: c.1304A>G on transcript NM_000532.5 (MANE Select); coding-DNA position 1304, A replaced by G.
Protein change: p.Tyr435Cys; replaces tyrosine 435 with cysteine.
Molecular consequence: missense variant.
Genome position (GRCh38, 1-based): chr3:136,327,638, A>G. VCF-style: chr3-136327638-A-G. GRCh37 (hg19) VCF-style: chr3-136046480-A-G.
Other names: c.1364A>G, p.Tyr455Cys (NM_001178014.2); short protein forms Y435C, Y455C.
Identifiers: ClinVar variation 12018 (VCV000012018.27), dbSNP rs121964961, ClinGen allele CA341178.

ClinVar aggregate classification (germline): Pathogenic/Likely pathogenic. Review status: criteria provided, multiple submitters, no conflicts (2 of 4 stars). 12 submissions from 12 submitters: Pathogenic (6); Likely pathogenic (3). 3 of the submissions do not count toward it. Last evaluated 2026-01-24.

Conditions:
Propionic acidemia (PROP). Also called: GLYCINEMIA, KETOTIC; HYPERGLYCINEMIA WITH KETOACIDOSIS AND LEUKOPENIA; KETOTIC HYPERGLYCINEMIA. Identifiers: Orphanet 35, MedGen C0268579, MONDO:0011628, OMIM 606054, HP:0003571.

Allele frequency attached by ClinVar (database versions not stated): gnomAD 0.00005 and 0.00002; 1000 Genomes Project 30x 0.00016; 1000 Genomes Project 0.00020; TOPMed 0.00003; ExAC 0.00005.
gnomAD v4.1: 137 of 1,612,342 alleles (0.0085%); highest among the groups gnomAD compares: East Asian, 0.26%; no homozygotes.

Submissions (12):

Labcorp Genetics (formerly Invitae), Labcorp
Classification: Pathogenic for Propionic acidemia. Last evaluated: 2026-01-24. Review status: criteria provided, single submitter. Criteria: Invitae Variant Classification Sherloc (09022015). Collection method: clinical testing. Allele origin: germline.
Comment: This sequence change replaces tyrosine, which is neutral and polar, with cysteine, which is neutral and slightly polar, at codon 435 of the PCCB protein (p.Tyr435Cys). This variant is present in population databases (rs121964961, gnomAD 0.06%). This missense change has been observed in individuals with propionic acidemia (PMID: 12189489). ClinVar contains an entry for this variant (Variation ID: 12018). Invitae Evidence Modeling of protein sequence and biophysical properties (such as structural, functional, and spatial information, amino acid conservation, physicochemical variation, residue mobility, and thermodynamic stability) indicates that this missense variant is expected to disrupt PCCB protein function with a positive predictive value of 80%. For these reasons, this variant has been classified as Pathogenic.

Natera, Inc.
Classification: Pathogenic for Propionic acidemia. Last evaluated: 2025-12-04. Review status: criteria provided, single submitter. Criteria: Natera Variant Classification Schema (03/2026). Collection method: clinical testing. Allele origin: germline.
Comment: The c.1304A>G variant in PCCB is a missense variant predicted to cause substitution of tyrosine to cysteine at amino acid 435. This variant is rare in the general population with a frequency below the threshold expected for the associated phenotype(s). This variant has been observed in one or more individuals affected with the associated recessive disease, as either homozygous or compound heterozygous with a second variant (PMID: 12189489, 36662638). Computational prediction algorithms indicate this variant is likely to affect gene or protein function. Given the available evidence, this variant is classified as Pathogenic.

Fulgent Genetics
Classification: Pathogenic for Propionic acidemia. Last evaluated: 2024-06-21. Review status: criteria provided, single submitter. Criteria: ACMG Guidelines, 2015. Collection method: clinical testing. Allele origin: germline.

Baylor Genetics
Classification: Pathogenic for Propionic acidemia. Last evaluated: 2024-03-14. Review status: criteria provided, single submitter. Criteria: ACMG Guidelines, 2015. Collection method: clinical testing. Allele origin: unknown.

Intergen Genetics and Rare Diseases Diagnosis Center
Classification: Pathogenic for Propionic acidemia. Last evaluated: 2023-07-12. Review status: criteria provided, single submitter. Criteria: ACMG Guidelines, 2015. Collection method: clinical testing. Allele origin: unknown. Inheritance: Autosomal recessive inheritance. Affected: no. Observed: 1 heterozygote.

Revvity Omics, Revvity
Classification: Likely pathogenic for Propionic acidemia. Last evaluated: 2021-10-29. Review status: criteria provided, single submitter. Criteria: ACMG Guidelines, 2015. Collection method: clinical testing. Allele origin: germline.

Women's Health and Genetics/Laboratory Corporation of America, LabCorp
Classification: Pathogenic for Propionic acidemia. Last evaluated: 2017-03-20. Review status: criteria provided, single submitter. Criteria: LabCorp Variant Classification Summary - May 2015. Collection method: clinical testing. Allele origin: germline.
Comment: Variant summary: The PCCB c.1304A>G (p.Tyr435Cys) variant located in the CoA carboxyltransferase C-terminal domain (via InterPro) involves the alteration of a conserved nucleotide and is predicted to be damaging by 5/5 in silico tools. This variant was found in 8/121510 control chromosomes including broad and large populations from ExAC at a heterozygous allele frequency of 0.0000658, which does not exceed the estimated maximal expected allele frequency of a pathogenic PCCB variant (0.0025). This variant is known to be a common pathogenic variant that causes mild propionic academia in Japanese population (Yorifuji_2002). The carrier frequency of this variant in Japanese population was estimated to be 1/86.5 by the authors. Enzymatic activity in peripheral blood leukocytes of patients carrying this variant in homozygous state or compound heterozygous state revealed significantly reduced but residual activity consistent with the phenotype caused (Yorifuji_2002). It was not found in a cohort of 30 patients with more severe form of disease in the same population (Yang_2004). Multiple reputable databases and the publications have classified this variant as pathogenic. Taken together, this variant is classified as Pathogenic.

Soonchunhyang University Bucheon Hospital, Soonchunhyang University Medical Center
Classification: Likely pathogenic for Propionic acidemia. Last evaluated: 2016-03-18. Review status: criteria provided, single submitter. Criteria: ACMG Guidelines, 2015. Collection method: reference population. Allele origin: germline. Observed: 1 variant allele.

Juno Genomics, Hangzhou Juno Genomics, Inc
Classification: Likely pathogenic for Propionic acidemia. Review status: criteria provided, single submitter. Criteria: ACMG Guidelines, 2015. Collection method: clinical testing. Allele origin: germline. Affected: yes.
Comment: Absent from controls (or at extremely low frequency if recessive) in Genome Aggregation Database, Exome Sequencing Project, 1000 Genomes Project, or Exome Aggregation Consortium.;Multiple lines of computational evidence support a deleterious effect on the gene or gene product (conservation, evolutionary, splicing impact, etc).;For recessive disorders, detected in trans with a pathogenic variant.

Counsyl
Classification: Likely pathogenic for Propionic acidemia. Last evaluated: 2017-04-17. Review status: no assertion criteria provided. Collection method: clinical testing. Allele origin: unknown. Not counted in ClinVar's aggregate classification.

OMIM
Classification: Pathogenic for PROPIONIC ACIDEMIA. Last evaluated: 2002-08-01. Review status: no assertion criteria provided. Collection method: literature only. Allele origin: germline. Not counted in ClinVar's aggregate classification.

GeneReviews
No classification provided. Condition: Propionic acidemia. Review status: no classification provided. Collection method: literature only. Allele origin: unknown. Not counted in ClinVar's aggregate classification.

Literature cited by the submitters: PubMed 12189489 (cited by 5 submitters); PubMed 36662638 (cited by Natera, Inc.); PubMed 25087612 (cited by Women's Health and Genetics/Laboratory Corporation of America, LabCorp); PubMed 15059621 (cited by Women's Health and Genetics/Laboratory Corporation of America, LabCorp); PubMed 22593918 (cited by GeneReviews); NCBI Bookshelf NBK92946 (cited by GeneReviews).